The following is an entry in ClinVar:

ClinVar aggregate classification (germline): Uncertain significance (1 of 4 stars; one submission).

Conditions:
Hereditary breast ovarian cancer syndrome. Also called: Hereditary breast and/or ovarian cancer syndrome; Hereditary breast and ovarian cancer syndrome; Hereditary breast and ovarian cancer syndrome (HBOC); Breast and ovarian cancer; BRCA1- and BRCA2-Associated Hereditary Breast and Ovarian Cancer; Hereditary breast and ovarian cancer. Identifiers: Orphanet 145, MedGen C0677776, MeSH D061325, MONDO:0003582. Disease mechanism: loss of function.

Submission:

Labcorp Genetics (formerly Invitae), Labcorp
Classification: Uncertain significance for Hereditary breast ovarian cancer syndrome. Last evaluated: 2020-11-04. Review status: criteria provided, single submitter. Criteria: Invitae Variant Classification Sherloc (09022015). Collection method: clinical testing. Allele origin: germline.
Comment: This sequence change replaces lysine with glutamine at codon 2472 of the BRCA2 protein (p.Lys2472Gln). The lysine residue is weakly conserved and there is a small physicochemical difference between lysine and glutamine. This variant is not present in population databases (ExAC no frequency). This variant has not been reported in the literature in individuals with BRCA2-related conditions. Advanced modeling of protein sequence and biophysical properties (such as structural, functional, and spatial information, amino acid conservation, physicochemical variation, residue mobility, and thermodynamic stability) performed at Invitae indicates that this missense variant is not expected to disrupt BRCA2 protein function. Algorithms developed to predict the effect of sequence changes on RNA splicing suggest that this variant may create or strengthen a splice site, but this prediction has not been confirmed by published transcriptional studies. In summary, the available evidence is currently insufficient to determine the role of this variant in disease. Therefore, it has been classified as a Variant of Uncertain Significance.

NM_000059.4(BRCA2):c.7414A>C (p.Lys2472Gln)

Gene: BRCA2 (BRCA2 DNA repair associated; plus strand). Cytogenetic location: 13q13.1.
Variant type: single nucleotide variant.
Coding change: c.7414A>C on transcript NM_000059.4 (MANE Select); coding-DNA position 7414, A replaced by C.
Protein change: p.Lys2472Gln; replaces lysine 2472 with glutamine.
Molecular consequence: missense variant.
Genome position (GRCh38, 1-based): chr13:32,355,267, A>C. VCF-style: chr13-32355267-A-C. GRCh37 (hg19) VCF-style: chr13-32929404-A-C.
Other names: short protein forms K2472Q.
Identifiers: ClinVar variation 1006585 (VCV001006585.9), dbSNP rs1060502383, ClinGen allele CA387741936.